The following is an entry in ClinVar:

NM_001375524.1(TRRAP):c.11488A>G (p.Thr3830Ala)

Gene: TRRAP (transformation/transcription domain associated protein; plus strand). Cytogenetic location: 7q22.1.
Variant type: single nucleotide variant.
Coding change: c.11488A>G on transcript NM_001375524.1 (MANE Select); coding-DNA position 11488, A replaced by G.
Protein change: p.Thr3830Ala; replaces threonine 3830 with alanine.
Molecular consequence: missense variant.
Genome position (GRCh38, 1-based): chr7:99,012,221, A>G. VCF-style: chr7-99012221-A-G. GRCh37 (hg19) VCF-style: chr7-98609844-A-G.
Other names: c.11446A>G, p.Thr3816Ala (NM_001244580.2); c.11359A>G, p.Thr3787Ala (NM_003496.4); short protein forms T3816A, T3830A, T3787A.
Identifiers: ClinVar variation 4708712 (VCV004708712.1).

ClinVar aggregate classification (germline): Uncertain significance (1 of 4 stars; one submission).

gnomAD v4.1: 3 of 1,613,844 alleles (0.00019%); highest among the groups gnomAD compares: Admixed American, 0.0033%; no homozygotes.

Submission:

Labcorp Genetics (formerly Invitae), Labcorp
Classification: Uncertain significance. Last evaluated: 2025-08-11. Review status: criteria provided, single submitter. Criteria: Invitae Variant Classification Sherloc (09022015). Collection method: clinical testing. Allele origin: germline.
Comment: This sequence change replaces threonine, which is neutral and polar, with alanine, which is neutral and non-polar, at codon 3787 of the TRRAP protein (p.Thr3787Ala). This variant is not present in population databases (gnomAD no frequency). This missense change has been observed in individual(s) with autism spectrum disorder (PMID: 33921431). This variant is also known as c.11446A>G (p.T3816A). Invitae Evidence Modeling of protein sequence and biophysical properties (such as structural, functional, and spatial information, amino acid conservation, physicochemical variation, residue mobility, and thermodynamic stability) indicates that this missense variant is not expected to disrupt TRRAP protein function with a negative predictive value of 80%. In summary, the available evidence is currently insufficient to determine the role of this variant in disease. Therefore, it has been classified as a Variant of Uncertain Significance.

Literature cited by the submitters: PubMed 33921431.